The following is an entry in ClinVar:

GRCh38/hg38 13q34(chr13:110563775-110686322)x1

Genes: NAXD (NAD(P)HX dehydratase; plus strand), NAXD-AS1 (NAXD antisense RNA 1; minus strand), CARS2 (cysteinyl-tRNA synthetase 2, mitochondrial; minus strand), LOC130010121 (ATAC-STARR-seq lymphoblastoid active region 8005; plus strand), LOC130010122 (ATAC-STARR-seq lymphoblastoid silent region 5507; plus strand) and 6 more. Cytogenetic location: 13q34.
Variant type: copy number loss.
Change: copy number 1 (one copy instead of two) of chr13:110,563,775-110,686,322 (122.5 kb, GRCh38 coordinates, 1-based), cytogenetic band 13q34.
Identifiers: ClinVar variation 4796267 (VCV004796267.1).

ClinVar aggregate classification (germline): Uncertain significance (1 of 4 stars; one submission).

Submission:

Medical Genetic Center, Changzhi Maternal and Child Health Care Hospital
Classification: Uncertain significance. Last evaluated: 2025-12-10. Review status: criteria provided, single submitter. Criteria: ACMG/ClinGen CNV Guidelines, 2019. Collection method: clinical testing. Allele origin: unknown.
Comment: NAXD, CARS2 (NM_024537.4, exon 6-15) deletion carrier